The following is an entry in ClinVar:

NM_003742.4(ABCB11):c.1091T>C (p.Leu364Pro)

Gene: ABCB11 (ATP binding cassette subfamily B member 11; minus strand). Cytogenetic location: 2q31.1.
Variant type: single nucleotide variant.
Coding change: c.1091T>C on transcript NM_003742.4 (MANE Select); coding-DNA position 1091, T replaced by C.
Protein change: p.Leu364Pro; replaces leucine 364 with proline.
Molecular consequence: missense variant.
Genome position (GRCh38, 1-based): chr2:168,979,972, A>G on the plus strand (T>C on the coding strand, the complement: ABCB11 is on the minus strand). VCF-style: chr2-168979972-A-G. GRCh37 (hg19) VCF-style: chr2-169836482-A-G.
Other names: short protein forms L364P.
Identifiers: ClinVar variation 4846087 (VCV004846087.1).

ClinVar aggregate classification (germline): Uncertain significance (1 of 4 stars; one submission).

Conditions:
Familial intrahepatic cholestasis. Identifiers: Orphanet 284385, MedGen CN296401, MONDO:0017290.

Submission:

Genomenon, Inc
Classification: Uncertain significance for Familial intrahepatic cholestasis. Last evaluated: 2026-04-14. Review status: criteria provided, single submitter. Criteria: Genomenon Sequence Variant Interpretation Standards - Updated. Collection method: curation. Allele origin: germline. Affected: yes.
Comment: ABCB11 p.Leu364Pro (c.1091T>C) is a missense variant that changes the amino acid at residue 364 from Leucine to Proline. This variant has been observed in at least one proband with an ABCB11-related disorder (PMID:39960943). It is absent or not present at a significant frequency in gnomAD. In silico models predict that this variant is possibly or probably damaging. In conclusion, we classify ABCB11 p.Leu364Pro (c.1091T>C) as a variant of uncertain significance.

Literature cited by the submitters: PubMed 39960943.